The following is an entry in ClinVar:

ClinVar aggregate classification (germline): Uncertain significance (1 of 4 stars; one submission).

Conditions:
Inborn genetic diseases. Identifiers: MedGen C0950123, MeSH D030342.

Submission:

Ambry Genetics
Classification: Uncertain significance for Inborn genetic diseases. Last evaluated: 2024-08-11. Review status: criteria provided, single submitter. Criteria: Ambry Variant Classification Scheme 2023. Collection method: clinical testing. Allele origin: germline.
Comment: The p.Q1028K variant (also known as c.3082C>A), located in coding exon 23 of the LRRK2 gene, results from a C to A substitution at nucleotide position 3082. The glutamine at codon 1028 is replaced by lysine, an amino acid with similar properties. This amino acid position is conserved. In addition, this alteration is predicted to be tolerated by in silico analysis. Based on the available evidence, the clinical significance of this variant remains unclear.

NM_198578.4(LRRK2):c.3082C>A (p.Gln1028Lys)

Gene: LRRK2 (leucine rich repeat kinase 2; plus strand). Cytogenetic location: 12q12.
Variant type: single nucleotide variant.
Coding change: c.3082C>A on transcript NM_198578.4 (MANE Select); coding-DNA position 3082, C replaced by A.
Protein change: p.Gln1028Lys; replaces glutamine 1028 with lysine.
Molecular consequence: missense variant.
Genome position (GRCh38, 1-based): chr12:40,295,630, C>A. VCF-style: chr12-40295630-C-A. GRCh37 (hg19) VCF-style: chr12-40689432-C-A.
Other names: short protein forms Q1028K.
Identifiers: ClinVar variation 3540618 (VCV003540618.1).
Genomic context (GRCh38, chr12:40,295,630, plus strand): 5'-GTTCATTTGGAGCATCTTGAAAAGCTGGAGCTTCACCAGAATGCACTCACGAGCTTTCCA[C>A]AACAGCTATGTGAAGTAAATTTAATTTATCCTTGTAACTTTCAAGACATTTGAAGAGCTT-3'
Protein context (NP_940980.4, residues 1018-1038): LHQNALTSFP[Gln1028Lys]QLCETLKSLT